The following is an entry in ClinVar:

NM_199420.4(POLQ):c.7592G>A (p.Gly2531Glu)

Gene: POLQ (DNA polymerase theta; minus strand). Cytogenetic location: 3q13.33.
Variant type: single nucleotide variant.
Coding change: c.7592G>A on transcript NM_199420.4 (MANE Select); coding-DNA position 7592, G replaced by A.
Protein change: p.Gly2531Glu; replaces glycine 2531 with glutamic acid.
Molecular consequence: missense variant.
Genome position (GRCh38, 1-based): chr3:121,432,985, C>T on the plus strand (G>A on the coding strand, the complement: POLQ is on the minus strand). VCF-style: chr3-121432985-C-T. GRCh37 (hg19) VCF-style: chr3-121151832-C-T.
Other names: short protein forms G2531E.
Identifiers: ClinVar variation 2561748 (VCV002561748.2), dbSNP rs2108770967, ClinGen allele CA354093822.
Genomic context (GRCh38, chr3:121,432,985, plus strand): 5'-ACATCTTCTTCTGCCACTTCATATAGGAGTTCATCATGGAGTTGAAGGATGAAGAAGCCT[C>T]CTCTGATTGGGCAGAACATCCCTTGCAGTTTTCTCTTTCGTGACAATCCTACTTCATGAA-3'
Protein context (NP_955452.3, residues 2521-2541): KLQGMFCPIR[Gly2531Glu]GFFILQLHDE

ClinVar aggregate classification (germline): Uncertain significance (1 of 4 stars; one submission).

Submission:

Ambry Genetics
Classification: Uncertain significance. Last evaluated: 2023-03-31. Review status: criteria provided, single submitter. Criteria: Ambry Variant Classification Scheme 2023. Collection method: clinical testing. Allele origin: germline.
Comment: The p.G2531E variant (also known as c.7592G>A), located in coding exon 29 of the POLQ gene, results from a G to A substitution at nucleotide position 7592. The glycine at codon 2531 is replaced by glutamic acid, an amino acid with similar properties. This amino acid position is conserved. In addition, the in silico prediction for this alteration is inconclusive. Since supporting evidence is limited at this time, the clinical significance of this alteration remains unclear.